The following is an entry in ClinVar:

ClinVar aggregate classification (germline): Likely benign. Review status: criteria provided, single submitter (1 of 4 stars). 2 submissions from 2 submitters: Likely benign (1). 1 of the submissions does not count toward it. Last evaluated 2025-09-01.

Conditions:
DNAH7-related disorder. Also called: DNAH7-related condition.

Allele frequency attached by ClinVar (database versions not stated): 1000 Genomes Project 0.00040; 1000 Genomes Project 30x 0.00047; ESP Exome Variant Server 0.00059; TOPMed 0.00107; gnomAD exomes 0.00128; gnomAD 0.00133; ExAC 0.00190.
gnomAD v4.1: 2,057 of 1,584,886 alleles (0.13%); highest among the groups gnomAD compares: Non-Finnish European, 0.13%; 3 homozygotes.

Submissions (2):

CeGaT Center for Human Genetics Tuebingen
Classification: Likely benign. Last evaluated: 2025-09-01. Review status: criteria provided, single submitter. Criteria: CeGaT Center For Human Genetics Tuebingen Variant Classification Criteria Version 2. Collection method: clinical testing. Allele origin: germline. Affected: yes. Observed: 1 variant allele.
Comment: DNAH7: BP4, BS2

PreventionGenetics, part of Exact Sciences
Classification: Likely benign for DNAH7-related condition. Last evaluated: 2019-08-16. Review status: no assertion criteria provided. Collection method: clinical testing. Allele origin: germline. Not counted in ClinVar's aggregate classification.
Comment: This variant is classified as likely benign based on ACMG/AMP sequence variant interpretation guidelines (Richards et al. 2015 PMID: 25741868, with internal and published modifications).

NM_018897.3(DNAH7):c.716C>T (p.Thr239Ile)

Gene: DNAH7 (dynein axonemal heavy chain 7; minus strand). Cytogenetic location: 2q32.3.
Variant type: single nucleotide variant.
Coding change: c.716C>T on transcript NM_018897.3 (MANE Select); coding-DNA position 716, C replaced by T.
Protein change: p.Thr239Ile; replaces threonine 239 with isoleucine.
Molecular consequence: missense variant.
Genome position (GRCh38, 1-based): chr2:196,024,456, G>A on the plus strand (C>T on the coding strand, the complement: DNAH7 is on the minus strand). VCF-style: chr2-196024456-G-A. GRCh37 (hg19) VCF-style: chr2-196889180-G-A.
Other names: short protein forms T239I.
Identifiers: ClinVar variation 3042959 (VCV003042959.9), dbSNP rs186738601, ClinGen allele CA2036887.